The following is an entry in ClinVar:

ClinVar aggregate classification (germline): Likely pathogenic (1 of 4 stars; one submission).

Submission:

Labcorp Genetics (formerly Invitae), Labcorp
Classification: Likely pathogenic. Last evaluated: 2023-10-09. Review status: criteria provided, single submitter. Criteria: Invitae Variant Classification Sherloc (09022015). Collection method: clinical testing. Allele origin: germline.
Comment: This sequence change affects an acceptor splice site in intron 36 of the COL4A3 gene. It is expected to disrupt RNA splicing. Variants that disrupt the donor or acceptor splice site typically lead to a loss of protein function (PMID: 16199547), and loss-of-function variants in COL4A3 are known to be pathogenic (PMID: 8956999, 24854265, 26809805, 27281700). This variant is not present in population databases (gnomAD no frequency). This variant has not been reported in the literature in individuals affected with COL4A3-related conditions. Algorithms developed to predict the effect of sequence changes on RNA splicing suggest that this variant may disrupt the consensus splice site. In summary, the currently available evidence indicates that the variant is pathogenic, but additional data are needed to prove that conclusively. Therefore, this variant has been classified as Likely Pathogenic.

Literature cited by the submitters: PubMed 16199547; PubMed 8956999; PubMed 24854265; PubMed 26809805; PubMed 27281700.

NM_000091.5(COL4A3):c.3071-1G>T

Genes: COL4A3 (collagen type IV alpha 3 chain; plus strand), MFF-DT (MFF divergent transcript; minus strand). Cytogenetic location: 2q36.3.
Variant type: single nucleotide variant.
Coding change: c.3071-1G>T on transcript NM_000091.5 (MANE Select); the canonical splice acceptor site of the intron before coding-DNA position 3071, G replaced by T.
Molecular consequence: splice acceptor variant.
Genome position (GRCh38, 1-based): chr2:227,290,746, G>T. VCF-style: chr2-227290746-G-T. GRCh37 (hg19) VCF-style: chr2-228155462-G-T.
Identifiers: ClinVar variation 2767161 (VCV002767161.3), dbSNP rs2469828189, ClinGen allele CA350855394.